The following is an entry in ClinVar:

ClinVar aggregate classification (germline): Likely pathogenic. Review status: reviewed by expert panel (3 of 4 stars). 7 submissions from 7 submitters: Likely pathogenic (1). 6 of the submissions do not count toward it. Last evaluated 2023-11-16.

Conditions:
Familial thoracic aortic aneurysm and aortic dissection (TAAD). Also called: Thoracic aortic aneurysms and dissections. Identifiers: Orphanet 91387, MedGen C4707243, MONDO:0019625.
Marfan syndrome (MFS). Also called: Marfan syndrome type 1; Marfan syndrome, classic; Marfan's syndrome; FBN1-Related Marfan Syndrome; MARFAN SYNDROME, TYPE I. Identifiers: Orphanet 284963, Orphanet 558, MedGen C0024796, MONDO:0007947, OMIM 154700.

Allele frequency attached by ClinVar (database versions not stated): gnomAD exomes below 0.00001 and 0.00001; ExAC 0.00001.
gnomAD v4.1: 6 of 1,614,118 alleles (0.00037%); highest among the groups gnomAD compares: South Asian, 0.0011%; no homozygotes.

Submissions (7):

ClinGen FBN1 Variant Curation Expert Panel, ClinGen
Classification: Likely pathogenic for Marfan syndrome. Last evaluated: 2023-11-16. Review status: reviewed by expert panel. Criteria: Assertion Criteria VCEP FBN1 Version 1. Collection method: curation. Allele origin: germline. Inheritance: Autosomal dominant inheritance.
Comment: NM_00138 c.1030C>T is a missense variant in FBN1 predicted to cause a substitution of an arginine by cysteine at amino acid 344 (p.Arg344Cys). This variant was found in one published proband with unspecified ocular and skeletal features, one internal proband with ectopia lentis and a systemic score of 3, and two probands with isolated thoracic aortic aneurysm and dissection, none of whom met the revised Ghent criteria for Marfan syndrome (PS4_moderate; PMID: 25652356; UZG & Invitae internal data, ClinVar Variation ID: 548999). This variant is present in gnomAD v2.1.1 (3/113642 [0.0026%] European alleles). This variant introduces a novel cysteine residue which may impede the normal formation of critical disulfide bridges (PM1). Computational prediction tools and conservation analysis suggest that this variant may impact protein structure or function (PP3). The constraint z-score for missense variants affecting FBN1 is 5.06 (PP2). In summary, this variant meets criteria to be classified as likely pathogenic for Marfan syndrome based on the ACMG/AMP criteria applied, as specified by the ClinGen FBN1 VCEP: PS4_moderate, PM1, PP2, PP3.

Labcorp Genetics (formerly Invitae), Labcorp
Classification: Likely pathogenic for Marfan syndrome; Familial thoracic aortic aneurysm and aortic dissection. Last evaluated: 2025-11-21. Review status: criteria provided, single submitter. Criteria: Invitae Variant Classification Sherloc (09022015). Collection method: clinical testing. Allele origin: germline. Not counted in ClinVar's aggregate classification.
Comment: This sequence change replaces arginine, which is basic and polar, with cysteine, which is neutral and slightly polar, at codon 344 of the FBN1 protein (p.Arg344Cys). This variant is present in population databases (rs752010116, gnomAD 0.003%). This missense change has been observed in individuals with clinical features of FBN1-related conditions (PMID: 25652356; internal data). ClinVar contains an entry for this variant (Variation ID: 548999). Invitae Evidence Modeling of protein sequence and biophysical properties (such as structural, functional, and spatial information, amino acid conservation, physicochemical variation, residue mobility, and thermodynamic stability) indicates that this missense variant is expected to disrupt FBN1 protein function with a positive predictive value of 95%. In summary, the currently available evidence indicates that the variant is pathogenic, but additional data are needed to prove that conclusively. Therefore, this variant has been classified as Likely Pathogenic.

Ambry Genetics
Classification: Uncertain significance for Familial thoracic aortic aneurysm and aortic dissection. Last evaluated: 2025-10-09. Review status: criteria provided, single submitter. Criteria: Ambry Variant Classification Scheme 2023. Collection method: clinical testing. Allele origin: germline. Not counted in ClinVar's aggregate classification.
Comment: The p.R344C variant (also known as c.1030C>T), located in coding exon 9 of the FBN1 gene, results from a C to T substitution at nucleotide position 1030. The arginine at codon 344 is replaced by cysteine, an amino acid with highly dissimilar properties. This variant was reported in individual(s) with features consistent with Marfan syndrome and related fibrillinopathies (Baudhuin LM et al. J. Hum. Genet., 2015 May;60:241-52; external communication; Ambry internal data). This amino acid position is highly conserved in available vertebrate species. In addition, this alteration is predicted to be deleterious by in silico analysis. Based on the available evidence, the clinical significance of this variant remains unclear.

Color Diagnostics, LLC DBA Color Health
Classification: Likely pathogenic for Familial thoracic aortic aneurysm and aortic dissection. Last evaluated: 2025-07-02. Review status: criteria provided, single submitter. Criteria: ACMG Guidelines, 2015. Collection method: clinical testing. Allele origin: germline. Not counted in ClinVar's aggregate classification.
Comment: This missense variant replaces arginine with cysteine at codon 344 in an EGF-like calcium-binding domain of the FBN1 protein. Computational prediction tools indicate that this variant has a deleterious impact on protein structure and function. Cysteine creating variants in cbEGF-like domains have been shown to affect protein stability and are overrepresented among patients with Marfan syndrome (PMID: 15161917, 16571647, 17701892). Computational prediction suggests that this variant may have a deleterious impact on protein structure and function. To our knowledge, functional studies have not been reported for this variant. This variant has been reported in an individual suspected to be affected with Marfan syndrome (PMID: 25652356), in an individual affected with ectopia lentis (ClinVar SCV004123034.1), and in two individuals affected with isolated thoracic aortic aneurysm and dissection (ClinVar SCV004123034.1). This variant has been identified in 3/251326 chromosomes in the general population by the Genome Aggregation Database (gnomAD). Based on the available evidence, this variant is classified as Likely Pathogenic.

GeneDx
Classification: Likely pathogenic. Last evaluated: 2021-11-02. Review status: criteria provided, single submitter. Criteria: GeneDx Variant Classification Process June 2021. Collection method: clinical testing. Allele origin: germline. Affected: yes. Not counted in ClinVar's aggregate classification.
Comment: Identified in a patient with suspected Marfan syndrome in published literature (Baudhuin LM et al., 2015); Introduces a new cysteine residue within a TGF-binding protein domain (aka TB domain or 8-Cysteine domain) and is expected to disrupt disulfide bonding within this domain; other missense substitutions that affect cysteine residues within this TGF-binding protein domain have been reported in association with various FBN1-related phenotypes, including Marfan syndrome (HGMD); In silico analysis supports that this missense variant has a deleterious effect on protein structure/function; Not observed at significant frequency in large population cohorts (gnomAD); This variant is associated with the following publications: (PMID: 25652356)

CHEO Genetics Diagnostic Laboratory, Children's Hospital of Eastern Ontario
Classification: Uncertain significance for Familial thoracic aortic aneurysm and aortic dissection. Last evaluated: 2018-06-04. Review status: criteria provided, single submitter. Criteria: ACMG Guidelines, 2015. Collection method: clinical testing. Allele origin: germline. Not counted in ClinVar's aggregate classification.

Center for Medical Genetics Ghent, University of Ghent
Classification: Uncertain significance for Marfan syndrome. Last evaluated: 2017-11-07. Review status: no assertion criteria provided. Collection method: clinical testing. Allele origin: germline. Affected: yes. Not counted in ClinVar's aggregate classification.

Literature cited by the submitters: PubMed 25652356 (cited by 3 submitters); PubMed 15161917 (cited by Color Diagnostics, LLC DBA Color Health); PubMed 16571647 (cited by Color Diagnostics, LLC DBA Color Health); PubMed 17701892 (cited by Color Diagnostics, LLC DBA Color Health).

NM_000138.5(FBN1):c.1030C>T (p.Arg344Cys)

Genes: FBN1 (fibrillin 1; minus strand), LOC113939944 (Sharpr-MPRA regulatory region 9539; plus strand). Cytogenetic location: 15q21.1.
Variant type: single nucleotide variant.
Coding change: c.1030C>T on transcript NM_000138.5 (MANE Select); coding-DNA position 1030, C replaced by T.
Protein change: p.Arg344Cys; replaces arginine 344 with cysteine.
Molecular consequence: missense variant.
Genome position (GRCh38, 1-based): chr15:48,520,776, G>A on the plus strand (C>T on the coding strand, the complement: FBN1 is on the minus strand). VCF-style: chr15-48520776-G-A. GRCh37 (hg19) VCF-style: chr15-48812973-G-A.
Other names: NM_000138.5(FBN1):c.1030C>T; p.Arg344Cys; short protein forms R344C.
Identifiers: ClinVar variation 548999 (VCV000548999.20), dbSNP rs752010116, ClinGen allele CA043398.
Genomic context (GRCh38, chr15:48,520,776, plus strand): 5'-GGCCGGCATCACAGCAGCACTGCATTTTGGTTATGGACTGTGGCAGCTGGTTAGAGCAGC[G>A]CCCGTTTGTCAGAGCTGTGTAACAGTATCCTGGGCGAACATCTGAGGACAAAGAAACACA-3'
Protein context (NP_000129.3, residues 334-354): GYCYTALTNG[Arg344Cys]CSNQLPQSIT